The following is an entry in ClinVar:

NM_001105206.3(LAMA4):c.4646A>T (p.Asn1549Ile)

Gene: LAMA4 (laminin subunit alpha 4; minus strand). Cytogenetic location: 6q21.
Variant type: single nucleotide variant.
Coding change: c.4646A>T on transcript NM_001105206.3 (MANE Select); coding-DNA position 4646, A replaced by T.
Protein change: p.Asn1549Ile; replaces asparagine 1549 with isoleucine.
Molecular consequence: missense variant.
Genome position (GRCh38, 1-based): chr6:112,120,302, T>A on the plus strand (A>T on the coding strand, the complement: LAMA4 is on the minus strand). VCF-style: chr6-112120302-T-A. GRCh37 (hg19) VCF-style: chr6-112441505-T-A.
Other names: c.4625A>T, p.Asn1542Ile (NM_001105207.3, NM_002290.5); c.4625A>T (NM_002290.4); short protein forms N1542I, N1549I.
Identifiers: ClinVar variation 1018765 (VCV001018765.10), dbSNP rs12110554, ClinGen allele CA3964945.

ClinVar aggregate classification (germline): Uncertain significance. Review status: criteria provided, multiple submitters, no conflicts (2 of 4 stars). 3 submissions from 3 submitters: Uncertain significance (2). 1 of the submissions does not count toward it. Last evaluated 2025-06-01.

Conditions:
Cardiovascular phenotype. Identifiers: MedGen CN230736.
LAMA4-related disorder. Also called: LAMA4-related condition.
Dilated cardiomyopathy 1JJ (CMD1JJ). Identifiers: Orphanet 154, MedGen C3808935, MONDO:0014095, OMIM 615235.

gnomAD v4.1: 24 of 1,613,778 alleles (0.0015%); highest among the groups gnomAD compares: African/African-American, 0.0027%; no homozygotes.

Submissions (3):

Ambry Genetics
Classification: Uncertain significance for Cardiovascular phenotype. Last evaluated: 2025-06-01. Review status: criteria provided, single submitter. Criteria: Ambry Variant Classification Scheme 2023. Collection method: clinical testing. Allele origin: germline.
Comment: The p.N1542I variant (also known as c.4625A>T), located in coding exon 32 of the LAMA4 gene, results from an A to T substitution at nucleotide position 4625. The asparagine at codon 1542 is replaced by isoleucine, an amino acid with dissimilar properties. This amino acid position is well conserved in available vertebrate species. In addition, the in silico prediction for this alteration is inconclusive. The evidence for this gene-disease relationship is limited; therefore, the clinical significance of this alteration is unclear.

Labcorp Genetics (formerly Invitae), Labcorp
Classification: Uncertain significance for Dilated cardiomyopathy 1JJ. Last evaluated: 2023-08-29. Review status: criteria provided, single submitter. Criteria: Invitae Variant Classification Sherloc (09022015). Collection method: clinical testing. Allele origin: germline.
Comment: This sequence change replaces asparagine, which is neutral and polar, with isoleucine, which is neutral and non-polar, at codon 1542 of the LAMA4 protein (p.Asn1542Ile). This variant is present in population databases (rs12110554, gnomAD 0.007%). This variant has not been reported in the literature in individuals affected with LAMA4-related conditions. ClinVar contains an entry for this variant (Variation ID: 1018765). An algorithm developed to predict the effect of missense changes on protein structure and function (PolyPhen-2) suggests that this variant is likely to be disruptive. In summary, the available evidence is currently insufficient to determine the role of this variant in disease. Therefore, it has been classified as a Variant of Uncertain Significance.

PreventionGenetics, part of Exact Sciences
Classification: Uncertain significance for LAMA4-related condition. Last evaluated: 2024-06-26. Review status: no assertion criteria provided. Collection method: clinical testing. Allele origin: germline. Not counted in ClinVar's aggregate classification.
Comment: The LAMA4 c.4625A>T variant is predicted to result in the amino acid substitution p.Asn1542Ile. To our knowledge, this variant has not been reported in the literature. This variant is reported in 0.0062% of alleles in individuals of African descent in gnomAD. At this time, the clinical significance of this variant is uncertain due to the absence of conclusive functional and genetic evidence.